The following is an entry in ClinVar:

ClinVar aggregate classification (germline): Likely benign. Review status: criteria provided, multiple submitters, no conflicts (2 of 4 stars). 3 submissions from 3 submitters: Likely benign (2). 1 of the submissions does not count toward it. Last evaluated 2022-02-26.

Conditions:
ALPK2-related disorder. Also called: ALPK2-related condition.

Allele frequency attached by ClinVar (database versions not stated): gnomAD exomes 0.00007; ExAC 0.00024; 1000 Genomes Project 0.00080; gnomAD 0.00080; 1000 Genomes Project 30x 0.00094; TOPMed 0.00096; ESP Exome Variant Server 0.00131.
gnomAD v4.1: 238 of 1,614,024 alleles (0.015%); highest among the groups gnomAD compares: African/African-American, 0.28%; no homozygotes.

Submissions (4):

Ambry Genetics
Classification: Likely benign. Last evaluated: 2022-02-26. Review status: criteria provided, single submitter. Criteria: Ambry Variant Classification Scheme 2023. Collection method: clinical testing. Allele origin: germline.

Breakthrough Genomics
Classification: Likely benign. Review status: criteria provided, single submitter. Criteria: ACMG Guidelines, 2015. Collection method: not provided. Allele origin: germline. Inheritance: Unknown mechanism. Affected: yes.

PreventionGenetics, part of Exact Sciences
Classification: Likely benign for ALPK2-related condition. Last evaluated: 2022-08-02. Review status: no assertion criteria provided. Collection method: clinical testing. Allele origin: germline. Not counted in ClinVar's aggregate classification.
Comment: This variant is classified as likely benign based on ACMG/AMP sequence variant interpretation guidelines (Richards et al. 2015 PMID: 25741868, with internal and published modifications).

Dr. Peter K. Rogan Lab, Western University
No classification provided (evidence only). Condition: Clear cell carcinoma of kidney. Review status: no classification provided. Collection method: in vitro. Allele origin: not applicable. Functional consequence: retained intron. Not counted in ClinVar's aggregate classification.

NM_052947.4(ALPK2):c.2088G>T (p.Gly696=)

Gene: ALPK2 (alpha kinase 2; minus strand). Cytogenetic location: 18q21.31.
Variant type: single nucleotide variant.
Coding change: c.2088G>T on transcript NM_052947.4 (MANE Select); coding-DNA position 2088, G replaced by T.
Protein change: p.Gly696=; no amino-acid change (glycine 696 retained).
Molecular consequence: synonymous variant.
Genome position (GRCh38, 1-based): chr18:58,538,099, C>A on the plus strand (G>T on the coding strand, the complement: ALPK2 is on the minus strand). VCF-style: chr18-58538099-C-A. GRCh37 (hg19) VCF-style: chr18-56205331-C-A.
Other names: NC_000018.9:g.56205331C>A.
Identifiers: ClinVar variation 1785676 (VCV001785676.6), dbSNP rs144079055, ClinGen allele CA8977126.